The following is an entry in ClinVar:

NM_203446.3(SYNJ1):c.2254G>T (p.Asp752Tyr)

Gene: SYNJ1 (synaptojanin 1; minus strand). Cytogenetic location: 21q22.11.
Variant type: single nucleotide variant.
Coding change: c.2254G>T on transcript NM_203446.3 (MANE Select); coding-DNA position 2254, G replaced by T.
Protein change: p.Asp752Tyr; replaces aspartic acid 752 with tyrosine.
Molecular consequence: missense variant.
Genome position (GRCh38, 1-based): chr21:32,664,963, C>A on the plus strand (G>T on the coding strand, the complement: SYNJ1 is on the minus strand). VCF-style: chr21-32664963-C-A. GRCh37 (hg19) VCF-style: chr21-34037273-C-A.
Other names: p.Asp791Tyr; c.2254G>T, p.Asp752Tyr (NM_001160302.2); c.2239G>T, p.Asp747Tyr (NM_001160306.2); c.2371G>T, p.Asp791Tyr (NM_003895.4); short protein forms D791Y, D752Y, D747Y.
Identifiers: ClinVar variation 573462 (VCV000573462.22), dbSNP rs145978776, ClinGen allele CA10003705.
Genomic context (GRCh38, chr21:32,664,963, plus strand): 5'-ATAGATATACCTGTCCAGCATTTTTCTGATTGATAAGTTGATCTCCTGCTATAAGAGAAT[C>A]CCAATTTTGCTGTCTTATGAGCTCTTTAACTTCTTCGTTAGGGAGATCGATTCGATAGTT-3'
Protein context (NP_982271.3, residues 742-762): VKELIRQQNW[Asp752Tyr]SLIAGDQLIN

ClinVar aggregate classification (germline): Uncertain significance. Review status: criteria provided, multiple submitters, no conflicts (2 of 4 stars). 7 submissions from 7 submitters: Uncertain significance (5). 2 of the submissions do not count toward it. Last evaluated 2026-08-18.

Conditions:
Inborn genetic diseases. Identifiers: MedGen C0950123, MeSH D030342.
Developmental and epileptic encephalopathy, 53. Also called: Epileptic encephalopathy, early infantile, 53. Identifiers: MedGen C4479313, MONDO:0033362, OMIM 617389.
Early-onset Parkinson disease 20. Also called: PARKINSON DISEASE 20, AUTOSOMAL RECESSIVE EARLY-ONSET. Identifiers: Orphanet 391411, MedGen C3809824, MONDO:0014233, OMIM 615530.

Allele frequency attached by ClinVar (database versions not stated): ExAC 0.00009; gnomAD 0.00010; gnomAD exomes 0.00013 and 0.00044; TOPMed 0.00020; ESP Exome Variant Server 0.00031.
gnomAD v4.1: 653 of 1,613,206 alleles (0.04%); highest among the groups gnomAD compares: Non-Finnish European, 0.054%; no homozygotes.

Submissions (8):

GeneDx
Classification: Uncertain significance. Last evaluated: 2026-08-18. Review status: criteria provided, single submitter. Criteria: GeneDx Variant Classification Process June 2021. Collection method: clinical testing. Allele origin: germline.
Comment: In silico analysis supports that this missense variant has a deleterious effect on protein structure/function; Has not been previously published as pathogenic or benign to our knowledge

Labcorp Genetics (formerly Invitae), Labcorp
Classification: Uncertain significance for Developmental and epileptic encephalopathy, 53; Early-onset Parkinson disease 20. Last evaluated: 2026-02-02. Review status: criteria provided, single submitter. Criteria: Invitae Variant Classification Sherloc (09022015). Collection method: clinical testing. Allele origin: germline.
Comment: This sequence change replaces aspartic acid, which is acidic and polar, with tyrosine, which is neutral and polar, at codon 791 of the SYNJ1 protein (p.Asp791Tyr). This variant is present in population databases (rs145978776, gnomAD 0.02%). This variant has not been reported in the literature in individuals affected with SYNJ1-related conditions. ClinVar contains an entry for this variant (Variation ID: 573462). Invitae Evidence Modeling of protein sequence and biophysical properties (such as structural, functional, and spatial information, amino acid conservation, physicochemical variation, residue mobility, and thermodynamic stability) has been performed for this missense variant. However, the output from this modeling did not meet the statistical confidence thresholds required to predict the impact of this variant on SYNJ1 protein function. In summary, the available evidence is currently insufficient to determine the role of this variant in disease. Therefore, it has been classified as a Variant of Uncertain Significance.

Mayo Clinic Laboratories, Mayo Clinic
Classification: Uncertain significance. Last evaluated: 2023-11-24. Review status: criteria provided, single submitter. Criteria: ACMG Guidelines, 2015. Collection method: clinical testing. Allele origin: germline. Observed: 1 variant allele.
Comment: PP3, PM2_moderate

Ambry Genetics
Classification: Uncertain significance for Inborn genetic diseases. Last evaluated: 2023-01-10. Review status: criteria provided, single submitter. Criteria: Ambry Variant Classification Scheme 2023. Collection method: clinical testing. Allele origin: germline.

Breakthrough Genomics
Classification: Uncertain significance. Review status: criteria provided, single submitter. Criteria: ACMG Guidelines, 2015. Collection method: not provided. Allele origin: germline. Inheritance: Autosomal dominant inheritance. Affected: yes.

Clinical Genetics DNA and cytogenetics Diagnostics Lab, Erasmus MC, Erasmus Medical Center
Classification: Uncertain significance. Review status: no assertion criteria provided. Collection method: clinical testing. Allele origin: germline. Affected: yes. Study: VKGL Data-share Consensus. Not counted in ClinVar's aggregate classification.

Diagnostic Laboratory, Department of Genetics, University Medical Center Groningen
Classification: Uncertain significance. Review status: no assertion criteria provided. Collection method: clinical testing. Allele origin: germline. Affected: yes. Study: VKGL Data-share Consensus. Not counted in ClinVar's aggregate classification.

Dr. Peter K. Rogan Lab, Western University
No classification provided (evidence only). Condition: Ovarian serous cystadenocarcinoma. Review status: no classification provided. Collection method: in vitro. Allele origin: not applicable. Functional consequence: retained intron. Not counted in ClinVar's aggregate classification.